The following is an entry in ClinVar:

NM_003073.5(SMARCB1):c.380G>A (p.Arg127Lys)

Gene: SMARCB1 (SWI/SNF related BAF chromatin remodeling complex subunit B1; plus strand). Cytogenetic location: 22q11.23.
Variant type: single nucleotide variant.
Coding change: c.380G>A on transcript NM_003073.5 (MANE Select); coding-DNA position 380, G replaced by A.
Protein change: p.Arg127Lys; replaces arginine 127 with lysine.
Molecular consequence: missense variant.
Genome position (GRCh38, 1-based): chr22:23,800,961, G>A. VCF-style: chr22-23800961-G-A. GRCh37 (hg19) VCF-style: chr22-24143148-G-A.
Other names: c.353G>A, p.Arg118Lys (NM_001007468.3, NM_001317946.2); c.380G>A, p.Arg127Lys (NM_001362877.2); short protein forms R118K, R127K.
Identifiers: ClinVar variation 3320791 (VCV003320791.3).

ClinVar aggregate classification (germline): Uncertain significance. Review status: criteria provided, multiple submitters, no conflicts (2 of 4 stars). 2 submissions from 2 submitters: Uncertain significance (2). Last evaluated 2024-11-19.

Conditions:
Hereditary cancer-predisposing syndrome. Also called: Neoplastic Syndromes, Hereditary; Tumor predisposition; Hereditary neoplastic syndrome; Hereditary Cancer Syndrome. Identifiers: Orphanet 140162, MedGen C0027672, MeSH D009386, MONDO:0015356.

gnomAD v4.1: 1 of 1,613,870 alleles (0.000062%); highest among the groups gnomAD compares: Non-Finnish European, 0.000085%; no homozygotes.

Submissions (2):

Labcorp Genetics (formerly Invitae), Labcorp
Classification: Uncertain significance. Last evaluated: 2024-11-19. Review status: criteria provided, single submitter. Criteria: Invitae Variant Classification Sherloc (09022015). Collection method: clinical testing. Allele origin: germline.
Comment: This sequence change replaces arginine, which is basic and polar, with lysine, which is basic and polar, at codon 127 of the SMARCB1 protein (p.Arg127Lys). This variant is not present in population databases (gnomAD no frequency). This variant has not been reported in the literature in individuals affected with SMARCB1-related conditions. Invitae Evidence Modeling of protein sequence and biophysical properties (such as structural, functional, and spatial information, amino acid conservation, physicochemical variation, residue mobility, and thermodynamic stability) indicates that this missense variant is not expected to disrupt SMARCB1 protein function with a negative predictive value of 80%. In summary, the available evidence is currently insufficient to determine the role of this variant in disease. Therefore, it has been classified as a Variant of Uncertain Significance.

Ambry Genetics
Classification: Uncertain significance for Hereditary cancer-predisposing syndrome. Last evaluated: 2024-03-18. Review status: criteria provided, single submitter. Criteria: Ambry Variant Classification Scheme 2023. Collection method: clinical testing. Allele origin: germline.
Comment: The p.R127K variant (also known as c.380G>A), located in coding exon 4 of the SMARCB1 gene, results from a G to A substitution at nucleotide position 380. The arginine at codon 127 is replaced by lysine, an amino acid with highly similar properties. This amino acid position is highly conserved in available vertebrate species. In addition, the in silico prediction for this alteration is inconclusive. Based on the available evidence, the clinical significance of this alteration remains unclear.